The following is an entry in ClinVar:

ClinVar aggregate classification (germline): Uncertain significance (1 of 4 stars; one submission).

Submission:

Labcorp Genetics (formerly Invitae), Labcorp
Classification: Uncertain significance. Last evaluated: 2024-10-16. Review status: criteria provided, single submitter. Criteria: Invitae Variant Classification Sherloc (09022015). Collection method: clinical testing. Allele origin: germline.
Comment: This sequence change replaces threonine, which is neutral and polar, with isoleucine, which is neutral and non-polar, at codon 1676 of the POLR1A protein (p.Thr1676Ile). This variant is not present in population databases (gnomAD no frequency). This variant has not been reported in the literature in individuals affected with POLR1A-related conditions. ClinVar contains an entry for this variant (Variation ID: 1956494). Invitae Evidence Modeling of protein sequence and biophysical properties (such as structural, functional, and spatial information, amino acid conservation, physicochemical variation, residue mobility, and thermodynamic stability) indicates that this missense variant is expected to disrupt POLR1A protein function with a positive predictive value of 80%. In summary, the available evidence is currently insufficient to determine the role of this variant in disease. Therefore, it has been classified as a Variant of Uncertain Significance.

NM_015425.6(POLR1A):c.5027C>T (p.Thr1676Ile)

Gene: POLR1A (RNA polymerase I subunit A; minus strand). Cytogenetic location: 2p11.2.
Variant type: single nucleotide variant.
Coding change: c.5027C>T on transcript NM_015425.6 (MANE Select); coding-DNA position 5027, C replaced by T.
Protein change: p.Thr1676Ile; replaces threonine 1676 with isoleucine.
Molecular consequence: missense variant.
Genome position (GRCh38, 1-based): chr2:86,027,920, G>A on the plus strand (C>T on the coding strand, the complement: POLR1A is on the minus strand). VCF-style: chr2-86027920-G-A. GRCh37 (hg19) VCF-style: chr2-86255043-G-A.
Other names: short protein forms T1676I.
Identifiers: ClinVar variation 1956494 (VCV001956494.5), dbSNP rs2466294610, ClinGen allele CA347544057.